The following is an entry in ClinVar:

ClinVar aggregate classification (germline): Uncertain significance (1 of 4 stars; one submission).

Conditions:
Neurofibromatosis, type 1 (NF1). Also called: VON RECKLINGHAUSEN DISEASE; Peripheral type neurofibromatosis; NEUROFIBROMATOSIS, TYPE I, SOMATIC; Neurofibromatosis, type I. Identifiers: Orphanet 636, MedGen C0027831, MONDO:0018975, OMIM 162200. Disease mechanism: loss of function.

Submission:

Labcorp Genetics (formerly Invitae), Labcorp
Classification: Uncertain significance for Neurofibromatosis, type 1. Last evaluated: 2024-11-27. Review status: criteria provided, single submitter. Criteria: Invitae Variant Classification Sherloc (09022015). Collection method: clinical testing. Allele origin: germline.
Comment: This sequence change replaces leucine, which is neutral and non-polar, with histidine, which is basic and polar, at codon 2441 of the NF1 protein (p.Leu2441His). This variant is not present in population databases (gnomAD no frequency). This variant has not been reported in the literature in individuals affected with NF1-related conditions. Invitae Evidence Modeling of protein sequence and biophysical properties (such as structural, functional, and spatial information, amino acid conservation, physicochemical variation, residue mobility, and thermodynamic stability) indicates that this missense variant is expected to disrupt NF1 protein function with a positive predictive value of 95%. In summary, the available evidence is currently insufficient to determine the role of this variant in disease. Therefore, it has been classified as a Variant of Uncertain Significance.

NM_001042492.3(NF1):c.7385T>A (p.Leu2462His)

Gene: NF1 (neurofibromin 1; plus strand). Cytogenetic location: 17q11.2.
Variant type: single nucleotide variant.
Coding change: c.7385T>A on transcript NM_001042492.3 (MANE Select); coding-DNA position 7385, T replaced by A.
Protein change: p.Leu2462His; replaces leucine 2462 with histidine.
Molecular consequence: missense variant.
Genome position (GRCh38, 1-based): chr17:31,350,246, T>A. VCF-style: chr17-31350246-T-A. GRCh37 (hg19) VCF-style: chr17-29677264-T-A.
Other names: c.7322T>A, p.Leu2441His (NM_000267.4); short protein forms L2441H, L2462H.
Identifiers: ClinVar variation 3634599 (VCV003634599.2).